The following is an entry in ClinVar:

ClinVar aggregate classification (germline): Benign (0 of 4 stars; one submission).

Conditions:
DCDC5-related condition.

gnomAD v4.1: 5,888 of 1,578,370 alleles (0.37%); highest among the groups gnomAD compares: African/African-American, 6.3%; 176 homozygotes.

Submission:

PreventionGenetics, part of Exact Sciences
Classification: Benign for DCDC5-related condition. Last evaluated: 2019-06-26. Review status: no assertion criteria provided. Collection method: clinical testing. Allele origin: germline.
Comment: This variant is classified as benign based on ACMG/AMP sequence variant interpretation guidelines (Richards et al. 2015 PMID: 25741868, with internal and published modifications).

NM_001387274.1(DCDC1):c.4710G>A (p.Lys1570=)

Gene: DCDC1 (doublecortin domain containing 1; minus strand). Cytogenetic location: 11p14.1.
Variant type: single nucleotide variant.
Coding change: c.4710G>A on transcript NM_001387274.1 (MANE Select); coding-DNA position 4710, G replaced by A.
Protein change: p.Lys1570=; no amino-acid change (lysine 1570 retained).
Molecular consequence: synonymous variant.
Genome position (GRCh38, 1-based): chr11:30,899,596, C>T on the plus strand (G>A on the coding strand, the complement: DCDC1 is on the minus strand). VCF-style: chr11-30899596-C-T. GRCh37 (hg19) VCF-style: chr11-30921143-C-T.
Other names: c.4701G>A, p.Lys1567= (NM_001367979.1); c.1455G>A, p.Lys485= (NM_001387275.1); c.2022G>A, p.Lys674= (NM_020869.4).
Identifiers: ClinVar variation 3352623 (VCV003352623.1).